The following is an entry in ClinVar:

NM_000388.4(CASR):c.958T>A (p.Phe320Ile)

Gene: CASR (calcium sensing receptor; plus strand). Cytogenetic location: 3q21.1.
Variant type: single nucleotide variant.
Coding change: c.958T>A on transcript NM_000388.4 (MANE Select); coding-DNA position 958, T replaced by A.
Protein change: p.Phe320Ile; replaces phenylalanine 320 with isoleucine.
Molecular consequence: missense variant.
Genome position (GRCh38, 1-based): chr3:122,261,993, T>A. VCF-style: chr3-122261993-T-A. GRCh37 (hg19) VCF-style: chr3-121980840-T-A.
Other names: c.958T>A, p.Phe320Ile (NM_001178065.2); short protein forms F320I.
Identifiers: ClinVar variation 1767479 (VCV001767479.2), dbSNP rs2473227389, ClinGen allele CA354151777.
Genomic context (GRCh38, chr3:122,261,993, plus strand): 5'-GCCAGCTCCTCCCTGATCGCCATGCCTCAGTACTTCCACGTGGTTGGCGGCACCATTGGA[T>A]TCGCTCTGAAGGCTGGGCAGATCCCAGGCTTCCGGGAATTCCTGAAGAAGGTCCATCCCA-3'
Protein context (NP_000379.3, residues 310-330): YFHVVGGTIG[Phe320Ile]ALKAGQIPGF

ClinVar aggregate classification (germline): Uncertain significance (1 of 4 stars; one submission).

Conditions:
Nephrolithiasis/nephrocalcinosis. Identifiers: MedGen CN580796.

Submission:

Ambry Genetics
Classification: Uncertain significance for Nephrolithiasis/nephrocalcinosis. Last evaluated: 2020-01-03. Review status: criteria provided, single submitter. Criteria: Ambry Variant Classification Scheme 2023. Collection method: clinical testing. Allele origin: germline.
Comment: The p.F320I variant (also known as c.958T>A), located in coding exon 3 of the CASR gene, results from a T to A substitution at nucleotide position 958. The phenylalanine at codon 320 is replaced by isoleucine, an amino acid with highly similar properties. This amino acid position is highly conserved in available vertebrate species. In addition, this alteration is predicted to be deleterious by in silico analysis. Since supporting evidence is limited at this time, the clinical significance of this alteration remains unclear.